The following is an entry in ClinVar:

NM_000496.3(CRYBB2):c.292_293delinsCC (p.Arg98Pro)

Gene: CRYBB2 (crystallin beta B2; plus strand). Cytogenetic location: 22q11.23.
Variant type: Indel.
Coding change: c.292_293delinsCC on transcript NM_000496.3 (MANE Select); coding-DNA positions 292 to 293, AG replaced by CC.
Protein change: p.Arg98Pro; replaces arginine 98 with proline.
Molecular consequence: missense variant.
Genome position (GRCh38, 1-based): chr22:25,227,971-25,227,972, AG replaced by CC. VCF-style: chr22-25227971-AG-CC. GRCh37 (hg19) VCF-style: chr22-25623938-AG-CC.
Other names: short protein forms R98P.
Identifiers: ClinVar variation 2833640 (VCV002833640.3), dbSNP rs2517855724, ClinGen allele CA2739267839.
Genomic context (GRCh38, chr22:25,227,971, plus strand): 5'-GAGTACCCCCGCTGGGACTCATGGACCAGCAGCCGAAGGACGGACTCCCTCAGCTCCCTG[AG>CC]GCCCATCAAAGTGGTGAGCCCCCTGCCATCACCCTACTCCCTCTCTCTGCCCATCATCCT-3'
Protein context (NP_000487.1, residues 88-108): SRRTDSLSSL[Arg98Pro]PIKVDSQEHK

ClinVar aggregate classification (germline): Uncertain significance (1 of 4 stars; one submission).

Conditions:
Cataract 3 multiple types. Also called: CATARACT 3, MULTIPLE TYPES, WITH OR WITHOUT MICROCORNEA. Identifiers: Orphanet 1377, MedGen C1832175, MONDO:0011104, OMIM 601547.

Submission:

Labcorp Genetics (formerly Invitae), Labcorp
Classification: Uncertain significance for Cataract 3 multiple types. Last evaluated: 2023-03-08. Review status: criteria provided, single submitter. Criteria: Invitae Variant Classification Sherloc (09022015). Collection method: clinical testing. Allele origin: germline.
Comment: In summary, the available evidence is currently insufficient to determine the role of this variant in disease. Therefore, it has been classified as a Variant of Uncertain Significance. An algorithm developed to predict the effect of missense changes on protein structure and function (PolyPhen-2) suggests that this variant is likely to be disruptive. This missense change has been observed in individual(s) with congenital cataracts (Invitae). It has also been observed to segregate with disease in related individuals. Information on the frequency of this variant in the gnomAD database is not available, as this variant may be reported differently in the database. This sequence change replaces arginine, which is basic and polar, with proline, which is neutral and non-polar, at codon 98 of the CRYBB2 protein (p.Arg98Pro).